The following is an entry in ClinVar:

ClinVar aggregate classification (germline): Pathogenic (1 of 4 stars; one submission).

Conditions:
CTNNB1-related disorder. Also called: CTNNB1-related condition.

Submission:

PreventionGenetics, part of Exact Sciences
Classification: Pathogenic for CTNNB1-related condition. Last evaluated: 2022-10-31. Review status: criteria provided, single submitter. Criteria: ACMG Guidelines, 2015. Collection method: clinical testing. Allele origin: germline.
Comment: The CTNNB1 c.1097T>G variant is predicted to result in premature protein termination (p.Leu366*). To our knowledge, this variant has not been reported in the literature or in a large population database, indicating this variant is rare. Nonsense variants in CTNNB1 are expected to be pathogenic. This variant is interpreted as pathogenic.

NM_001904.4(CTNNB1):c.1097T>G (p.Leu366Ter)

Gene: CTNNB1 (catenin beta 1; plus strand). Cytogenetic location: 3p22.1.
Variant type: single nucleotide variant.
Coding change: c.1097T>G on transcript NM_001904.4 (MANE Select); coding-DNA position 1097, T replaced by G.
Protein change: p.Leu366Ter; replaces leucine 366 with a stop codon.
Molecular consequence: nonsense.
Genome position (GRCh38, 1-based): chr3:41,233,356, T>G. VCF-style: chr3-41233356-T-G. GRCh37 (hg19) VCF-style: chr3-41274847-T-G.
Other names: c.1097T>G, p.Leu366Ter (NM_001098209.2, NM_001098210.2); c.1076T>G, p.Leu359Ter (NM_001330729.2); short protein forms L359*, L366*.
Identifiers: ClinVar variation 2636171 (VCV002636171.1), dbSNP rs758207378, ClinGen allele CA352232018.